The following is an entry in ClinVar:

NM_007294.4(BRCA1):c.466C>A (p.Leu156Ile)

Gene: BRCA1 (BRCA1 DNA repair associated; minus strand). Cytogenetic location: 17q21.31.
Variant type: single nucleotide variant.
Coding change: c.466C>A on transcript NM_007294.4 (MANE Select); coding-DNA position 466, C replaced by A.
Protein change: p.Leu156Ile; replaces leucine 156 with isoleucine.
Molecular consequence: missense variant. On other transcripts: non-coding transcript variant (1).
Genome position (GRCh38, 1-based): chr17:43,099,856, G>T on the plus strand (C>A on the coding strand, the complement: BRCA1 is on the minus strand). VCF-style: chr17-43099856-G-T. GRCh37 (hg19) VCF-style: chr17-41251873-G-T.
Other names: c.253C>A, p.Leu85Ile (NM_001407571.1, NM_001407853.1, NM_001407894.1 and 18 more transcripts); c.466C>A, p.Leu156Ile (NM_001407581.1, NM_001407582.1, NM_001407583.1 and 97 more transcripts); c.463C>A, p.Leu155Ile (NM_001407587.1, NM_001407590.1, NM_001407591.1 and 65 more transcripts); c.457C>A, p.Leu153Ile (NM_001407646.1, NM_001407647.1, NM_001408408.1); c.388C>A, p.Leu130Ile (NM_001407653.1, NM_001407654.1, NM_001407655.1 and 12 more transcripts); c.385C>A, p.Leu129Ile (NM_001407659.1, NM_001407660.1, NM_001407661.1 and 6 more transcripts); c.325C>A, p.Leu109Ile (NM_001407692.1, NM_001407694.1, NM_001407695.1 and 61 more transcripts); c.322C>A, p.Leu108Ile (NM_001407740.1, NM_001407741.1, NM_001407742.1 and 35 more transcripts); and 4 more; short protein forms L156I, L109I, L130I, L153I, L28I, L129I, L155I, L29I.
Identifiers: ClinVar variation 233464 (VCV000233464.20), dbSNP rs587778115, ClinGen allele CA10580695.

ClinVar aggregate classification (germline): Uncertain significance. Review status: criteria provided, multiple submitters, no conflicts (2 of 4 stars). 5 submissions from 5 submitters: Uncertain significance (5). Last evaluated 2025-07-31.

Conditions:
Hereditary breast ovarian cancer syndrome. Also called: Hereditary breast and ovarian cancer syndrome; BRCA1- and BRCA2-Associated Hereditary Breast and Ovarian Cancer; Breast and ovarian cancer; Hereditary breast and/or ovarian cancer syndrome; Hereditary breast and ovarian cancer; Hereditary breast and ovarian cancer syndrome (HBOC). Identifiers: Orphanet 145, MedGen C0677776, MeSH D061325, MONDO:0003582. Disease mechanism: loss of function.
Hereditary cancer-predisposing syndrome. Also called: Neoplastic Syndromes, Hereditary; Tumor predisposition; Hereditary Cancer Syndrome; Hereditary neoplastic syndrome. Identifiers: Orphanet 140162, MedGen C0027672, MeSH D009386, MONDO:0015356.

Allele frequency attached by ClinVar (database versions not stated): gnomAD exomes 0.00001.
gnomAD v4.1: 3 of 1,613,510 alleles (0.00019%); highest among the groups gnomAD compares: Middle Eastern, 0.033%; no homozygotes.

Submissions (5):

Labcorp Genetics (formerly Invitae), Labcorp
Classification: Uncertain significance for Hereditary breast ovarian cancer syndrome. Last evaluated: 2025-07-31. Review status: criteria provided, single submitter. Criteria: Invitae Variant Classification Sherloc (09022015). Collection method: clinical testing. Allele origin: germline.
Comment: This sequence change replaces leucine, which is neutral and non-polar, with isoleucine, which is neutral and non-polar, at codon 156 of the BRCA1 protein (p.Leu156Ile). This variant is not present in population databases (gnomAD no frequency). This missense change has been observed in individual(s) with hereditary breast and ovarian cancer (PMID: 21120943, 22713736). ClinVar contains an entry for this variant (Variation ID: 233464). Invitae Evidence Modeling of protein sequence and biophysical properties (such as structural, functional, and spatial information, amino acid conservation, physicochemical variation, residue mobility, and thermodynamic stability) indicates that this missense variant is expected to disrupt BRCA1 protein function with a positive predictive value of 80%. In summary, the available evidence is currently insufficient to determine the role of this variant in disease. Therefore, it has been classified as a Variant of Uncertain Significance.

Color Diagnostics, LLC DBA Color Health
Classification: Uncertain significance for Hereditary cancer-predisposing syndrome. Last evaluated: 2025-07-29. Review status: criteria provided, single submitter. Criteria: ACMG Guidelines, 2015. Collection method: clinical testing. Allele origin: germline.
Comment: This missense variant replaces leucine with isoleucine at codon 156 of the BRCA1 protein. Computational prediction suggests that this variant may not impact protein structure and function. To our knowledge, functional studies have not been reported for this variant. This variant has been reported in an individual affected with breast cancer and in a suspected hereditary breast and ovarian cancer family (PMID: 21120943, 22713736). This variant has not been identified in the general population by the Genome Aggregation Database (gnomAD). The available evidence is insufficient to determine the role of this variant in disease conclusively. Therefore, this variant is classified as a Variant of Uncertain Significance.

Ambry Genetics
Classification: Uncertain significance for Hereditary cancer-predisposing syndrome. Last evaluated: 2024-03-25. Review status: criteria provided, single submitter. Criteria: Ambry Variant Classification Scheme 2023. Collection method: clinical testing. Allele origin: germline.
Comment: The p.L156I variant (also known as c.466C>A), located in coding exon 6 of the BRCA1 gene, results from a C to A substitution at nucleotide position 466. The leucine at codon 156 is replaced by isoleucine, an amino acid with highly similar properties. In one study, this variant was observed in 1/1525 unrelated patients who had BRCA1/2 genetic testing due to a personal and/or family history suspicious for hereditary breast and/or ovarian cancer (HBOC) syndrome (Caux-Moncoutier V et al. Hum Mutat, 2011 Mar;32:325-34). This amino acid position is well conserved in available vertebrate species. In addition, the in silico prediction for this alteration is inconclusive. Based on the available evidence, the clinical significance of this alteration remains unclear.

Women's Health and Genetics/Laboratory Corporation of America, LabCorp
Classification: Uncertain significance. Last evaluated: 2020-11-06. Review status: criteria provided, single submitter. Criteria: LabCorp Variant Classification Summary - May 2015. Collection method: clinical testing. Allele origin: germline.
Comment: Variant summary: BRCA1 c.466C>A (p.Leu156Ile) results in a conservative amino acid change in the encoded protein sequence. Five of five in-silico tools predict a benign effect of the variant on protein function. The variant was absent in 251446 control chromosomes. The available data on variant occurrences in the general population are insufficient to allow any conclusion about variant significance. c.466C>A has been reported in the literature in individuals affected with Breast And Ovarian Cancer (example, Jalkh_2012, Caux-Moncoutier_2011). These report(s) do not provide unequivocal conclusions about association of the variant with Hereditary Breast And Ovarian Cancer Syndrome. At least one co-occurrence with another pathogenic variant has been observed at our laboratory (BRCA2 c.8414_8416delinsC, p.Leu2805Serfs*6), providing supporting evidence for a benign role. To our knowledge, no experimental evidence demonstrating an impact on protein function has been reported. Four clinical diagnostic laboratories have submitted clinical-significance assessments for this variant to ClinVar after 2014 without evidence for independent evaluation. All laboratories classified the variant as uncertain significance. Based on the evidence outlined above, the variant was classified as uncertain significance.

Quest Diagnostics Nichols Institute San Juan Capistrano
Classification: Uncertain significance. Last evaluated: 2018-05-07. Review status: criteria provided, single submitter. Criteria: Quest Diagnostics criteria. Collection method: clinical testing. Allele origin: germline.

Literature cited by the submitters: PubMed 21120943 (cited by 4 submitters); PubMed 22713736 (cited by 4 submitters).